The following is an entry in ClinVar:

ClinVar aggregate classification (germline): Likely benign. Review status: criteria provided, single submitter (1 of 4 stars). 2 submissions from 2 submitters: Likely benign (1). 1 of the submissions does not count toward it. Last evaluated 2024-10-23.

Conditions:
COL18A1-related disorder. Also called: COL18A1-related disorders; COL18A1-related condition.

Allele frequency attached by ClinVar (database versions not stated): 1000 Genomes Project 30x 0.00062.
gnomAD v4.1: 74 of 1,533,516 alleles (0.0048%); highest among the groups gnomAD compares: East Asian, 0.061%; no homozygotes.

Submissions (2):

Blueprint Genetics
Classification: Likely benign. Last evaluated: 2024-10-23. Review status: criteria provided, single submitter. Criteria: ACMG Guidelines, 2015. Collection method: clinical testing. Allele origin: germline.

PreventionGenetics, part of Exact Sciences
Classification: Likely benign for COL18A1-related condition. Last evaluated: 2023-08-12. Review status: no assertion criteria provided. Collection method: clinical testing. Allele origin: germline. Not counted in ClinVar's aggregate classification.
Comment: This variant is classified as likely benign based on ACMG/AMP sequence variant interpretation guidelines (Richards et al. 2015 PMID: 25741868, with internal and published modifications).

NM_001379500.1(COL18A1):c.107-11576C>G

Gene: COL18A1 (collagen type XVIII alpha 1 chain; plus strand). Cytogenetic location: 21q22.3.
Variant type: single nucleotide variant.
Coding change: c.107-11576C>G on transcript NM_001379500.1 (MANE Select); 11576 bases into the intron before coding-DNA position 107, C replaced by G.
Molecular consequence: intron variant. On other transcripts: missense variant (1).
Genome position (GRCh38, 1-based): chr21:45,456,666, C>G. VCF-style: chr21-45456666-C-G. GRCh37 (hg19) VCF-style: chr21-46876580-C-G.
Other names: c.1136C>G, p.Thr379Arg (NM_130444.3); c.646+490C>G (NM_030582.4); short protein forms T379R.
Identifiers: ClinVar variation 3045151 (VCV003045151.3), dbSNP rs8133886, ClinGen allele CA10065633.